The following is an entry in ClinVar:

NM_001127208.3(TET2):c.872T>C (p.Val291Ala)

Genes: TET2 (tet methylcytosine dioxygenase 2; plus strand), TET2-AS1 (TET2 antisense RNA 1; minus strand). Cytogenetic location: 4q24.
Variant type: single nucleotide variant.
Coding change: c.872T>C on transcript NM_001127208.3 (MANE Select); coding-DNA position 872, T replaced by C.
Protein change: p.Val291Ala; replaces valine 291 with alanine.
Molecular consequence: missense variant.
Genome position (GRCh38, 1-based): chr4:105,234,814, T>C. VCF-style: chr4-105234814-T-C. GRCh37 (hg19) VCF-style: chr4-106155971-T-C.
Other names: c.872T>C, p.Val291Ala (NM_017628.4); short protein forms V291A.
Identifiers: ClinVar variation 3806059 (VCV003806059.1).

ClinVar aggregate classification (germline): Uncertain significance (1 of 4 stars; one submission).

Submission:

Ambry Genetics
Classification: Uncertain significance. Last evaluated: 2025-02-15. Review status: criteria provided, single submitter. Criteria: Ambry Variant Classification Scheme 2023. Collection method: clinical testing. Allele origin: germline.
Comment: The p.V291A variant (also known as c.872T>C), located in coding exon 1 of the TET2 gene, results from a T to C substitution at nucleotide position 872. The valine at codon 291 is replaced by alanine, an amino acid with similar properties. This amino acid position is conserved. In addition, this alteration is predicted to be tolerated by in silico analysis. Based on the available evidence, the clinical significance of this variant remains unclear.